The following is an entry in ClinVar:

ClinVar aggregate classification (germline): Likely benign (0 of 4 stars; one submission).

Conditions:
TLR1-related disorder. Also called: TLR1-related condition.

Allele frequency attached by ClinVar (database versions not stated): ExAC 0.00001; TOPMed 0.00005; gnomAD 0.00007; ESP Exome Variant Server 0.00008; gnomAD exomes 0.00012.

Submission:

PreventionGenetics, part of Exact Sciences
Classification: Likely benign for TLR1-related condition. Last evaluated: 2021-04-26. Review status: no assertion criteria provided. Collection method: clinical testing. Allele origin: germline.
Comment: This variant is classified as likely benign based on ACMG/AMP sequence variant interpretation guidelines (Richards et al. 2015 PMID: 25741868, with internal and published modifications).

NM_003263.4(TLR1):c.819A>G (p.Val273=)

Gene: TLR1 (toll like receptor 1; minus strand). Cytogenetic location: 4p14.
Variant type: single nucleotide variant.
Coding change: c.819A>G on transcript NM_003263.4 (MANE Select); coding-DNA position 819, A replaced by G.
Protein change: p.Val273=; no amino-acid change (valine 273 retained).
Molecular consequence: synonymous variant.
Genome position (GRCh38, 1-based): chr4:38,798,013, T>C on the plus strand (A>G on the coding strand, the complement: TLR1 is on the minus strand). VCF-style: chr4-38798013-T-C. GRCh37 (hg19) VCF-style: chr4-38799634-T-C.
Identifiers: ClinVar variation 3036250 (VCV003036250.2), dbSNP rs138773657, ClinGen allele CA2889485.
Genomic context (GRCh38, chr4:38,798,013, plus strand): 5'-ATCAAAATCTCTGAAGTCCAGCTGACCCTGTAGCTTCACGTTTGAAATTGAGAAATACCA[T>C]ACAGTTGTATGCCAAACCAGCTGGAGGATCCTAATGAAAGAATTCCAAGTTGTTTCAATG-3'
Protein context (NP_003254.2, residues 263-283): RILQLVWHTT[Val273=]WYFSISNVKL